The following is an entry in ClinVar:

NM_000390.4(CHM):c.99A>T (p.Arg33Ser)

Gene: CHM (CHM Rab escort protein; minus strand). Cytogenetic location: Xq21.2.
Variant type: single nucleotide variant.
Coding change: c.99A>T on transcript NM_000390.4 (MANE Select); coding-DNA position 99, A replaced by T.
Protein change: p.Arg33Ser; replaces arginine 33 with serine.
Molecular consequence: missense variant. On other transcripts: 5 prime UTR variant (4).
Genome position (GRCh38, 1-based): chrX:86,027,508, T>A on the plus strand (A>T on the coding strand, the complement: CHM is on the minus strand). VCF-style: chrX-86027508-T-A. GRCh37 (hg19) VCF-style: chrX-85282512-T-A.
Other names: c.99A>T, p.Arg33Ser (NM_001145414.4); c.-346A>T (NM_001320959.1, NM_001362517.1); c.-342A>T (NM_001362518.2, NM_001362519.1); short protein forms R33S.
Identifiers: ClinVar variation 1010753 (VCV001010753.8), dbSNP rs1933877094, ClinGen allele CA413787915.
Genomic context (GRCh38, chrX:86,027,508, plus strand): 5'-GAGATATTTAGGAAATATTAAATGCTATCGTTGATAAACTTACGAATCAACATGCAGAAC[T>A]CTCCGGCCACTTCTTGAACATGCAGCTGCAATGATGGATTCAGGCAAACCTACAAAAACA-3'
Protein context (NP_000381.1, residues 23-43): IAAACSRSGR[Arg33Ser]VLHVDSRSYY

ClinVar aggregate classification (germline): Uncertain significance (1 of 4 stars; one submission).

Allele frequency attached by ClinVar (database versions not stated): TOPMed below 0.00001.

Submission:

Labcorp Genetics (formerly Invitae), Labcorp
Classification: Uncertain significance. Last evaluated: 2022-08-10. Review status: criteria provided, single submitter. Criteria: Invitae Variant Classification Sherloc (09022015). Collection method: clinical testing. Allele origin: germline.
Comment: Algorithms developed to predict the effect of missense changes on protein structure and function output the following: SIFT: "Tolerated"; PolyPhen-2: "Possibly Damaging"; Align-GVGD: "Class C0". The serine amino acid residue is found in multiple mammalian species, which suggests that this missense change does not adversely affect protein function. In summary, the available evidence is currently insufficient to determine the role of this variant in disease. Therefore, it has been classified as a Variant of Uncertain Significance. This sequence change replaces arginine, which is basic and polar, with serine, which is neutral and polar, at codon 33 of the CHM protein (p.Arg33Ser). This variant is not present in population databases (gnomAD no frequency). This variant has not been reported in the literature in individuals affected with CHM-related conditions. ClinVar contains an entry for this variant (Variation ID: 1010753).